The following is an entry in ClinVar:

NM_000059.4(BRCA2):c.3771A>G (p.Pro1257=)

Gene: BRCA2 (BRCA2 DNA repair associated; plus strand). Cytogenetic location: 13q13.1.
Variant type: single nucleotide variant.
Coding change: c.3771A>G on transcript NM_000059.4 (MANE Select); coding-DNA position 3771, A replaced by G.
Protein change: p.Pro1257=; no amino-acid change (proline 1257 retained).
Molecular consequence: synonymous variant.
Genome position (GRCh38, 1-based): chr13:32,338,126, A>G. VCF-style: chr13-32338126-A-G. GRCh37 (hg19) VCF-style: chr13-32912263-A-G.
Identifiers: ClinVar variation 184757 (VCV000184757.29), dbSNP rs759855937, ClinGen allele CA018767.

ClinVar aggregate classification (germline): Likely benign. Review status: reviewed by expert panel (3 of 4 stars). 9 submissions from 9 submitters: Likely benign (1). 8 of the submissions do not count toward it. Last evaluated 2017-06-29.

Conditions:
Hereditary cancer-predisposing syndrome. Also called: Tumor predisposition; Hereditary Cancer Syndrome; Hereditary neoplastic syndrome; Neoplastic Syndromes, Hereditary. Identifiers: Orphanet 140162, MedGen C0027672, MeSH D009386, MONDO:0015356.
Hereditary breast ovarian cancer syndrome. Also called: Breast and ovarian cancer; Hereditary breast and ovarian cancer syndrome; Hereditary breast and ovarian cancer; BRCA1- and BRCA2-Associated Hereditary Breast and Ovarian Cancer; Hereditary breast and ovarian cancer syndrome (HBOC); Hereditary breast and/or ovarian cancer syndrome. Identifiers: Orphanet 145, MedGen C0677776, MeSH D061325, MONDO:0003582. Disease mechanism: loss of function.
Breast-ovarian cancer, familial, susceptibility to, 2 (BROVCA2). Also called: BRCA2 Hereditary Breast and Ovarian Cancer. Identifiers: Orphanet 145, MedGen C2675520, MONDO:0012933, OMIM 612555. Disease mechanism: loss of function.

Allele frequency attached by ClinVar (database versions not stated): gnomAD exomes 0.00001 and 0.00002; ExAC 0.00003; gnomAD 0.00005; TOPMed 0.00006.
gnomAD v4.1: 10 of 1,607,032 alleles (0.00062%); highest among the groups gnomAD compares: African/African-American, 0.013%; no homozygotes.

Submissions (9):

Evidence-based Network for the Interpretation of Germline Mutant Alleles (ENIGMA)
Classification: Likely benign for Breast-ovarian cancer, familial, susceptibility to, 2. Last evaluated: 2017-06-29. Review status: reviewed by expert panel. Criteria: ENIGMA BRCA1/2 Classification Criteria (2017-06-29). Collection method: curation. Allele origin: germline.
Comment: Synonymous substitution variant, with low bioinformatic likelihood to result in a splicing aberration (Splicing prior probability 0.02).

Labcorp Genetics (formerly Invitae), Labcorp
Classification: Likely benign for Hereditary breast ovarian cancer syndrome. Last evaluated: 2025-12-30. Review status: criteria provided, single submitter. Criteria: Invitae Variant Classification Sherloc (09022015). Collection method: clinical testing. Allele origin: germline. Not counted in ClinVar's aggregate classification.

All of Us Research Program, National Institutes of Health
Classification: Likely benign for Breast-ovarian cancer, familial, susceptibility to, 2. Last evaluated: 2024-01-11. Review status: criteria provided, single submitter. Criteria: ACMG Guidelines, 2015. Collection method: clinical testing. Allele origin: germline. Inheritance: Autosomal dominant inheritance. Observed: 4 variant alleles, 4 heterozygotes. Not counted in ClinVar's aggregate classification.
Comment: This study involves interpretation of variants in research participants for the purpose of population health screening. Participant phenotype was not available at the time of variant classification. Additional details can be found in publication PMID: 35346344, PMCID: PMC8962531

Quest Diagnostics Nichols Institute San Juan Capistrano
Classification: Likely benign. Last evaluated: 2023-06-02. Review status: criteria provided, single submitter. Criteria: Quest Diagnostics criteria. Collection method: clinical testing. Allele origin: unknown. Not counted in ClinVar's aggregate classification.

Women's Health and Genetics/Laboratory Corporation of America, LabCorp
Classification: Likely benign. Last evaluated: 2022-04-10. Review status: criteria provided, single submitter. Criteria: LabCorp Variant Classification Summary - May 2015. Collection method: clinical testing. Allele origin: germline. Not counted in ClinVar's aggregate classification.

Genetic Services Laboratory, University of Chicago
Classification: Likely benign. Last evaluated: 2021-05-03. Review status: criteria provided, single submitter. Criteria: ACMG Guidelines, 2015. Collection method: clinical testing. Allele origin: germline. Affected: no. Not counted in ClinVar's aggregate classification.

Color Diagnostics, LLC DBA Color Health
Classification: Likely benign for Hereditary cancer-predisposing syndrome. Last evaluated: 2019-02-12. Review status: criteria provided, single submitter. Criteria: ACMG Guidelines, 2015. Collection method: clinical testing. Allele origin: germline. Not counted in ClinVar's aggregate classification.

GeneDx
Classification: Likely benign. Last evaluated: 2018-09-06. Review status: criteria provided, single submitter. Criteria: GeneDx Variant Classification Process June 2021. Collection method: clinical testing. Allele origin: germline. Affected: yes. Not counted in ClinVar's aggregate classification.

Ambry Genetics
Classification: Likely benign for Hereditary cancer-predisposing syndrome. Last evaluated: 2015-08-13. Review status: criteria provided, single submitter. Criteria: Ambry Variant Classification Scheme 2023. Collection method: clinical testing. Allele origin: germline. Not counted in ClinVar's aggregate classification.